The following is an entry in ClinVar:

NM_002160.4(TNC):c.1743C>T (p.His581=)

Gene: TNC (tenascin C; minus strand). Cytogenetic location: 9q33.1.
Variant type: single nucleotide variant.
Coding change: c.1743C>T on transcript NM_002160.4 (MANE Select); coding-DNA position 1743, C replaced by T.
Protein change: p.His581=; no amino-acid change (histidine 581 retained).
Molecular consequence: synonymous variant.
Genome position (GRCh38, 1-based): chr9:115,085,988, G>A on the plus strand (C>T on the coding strand, the complement: TNC is on the minus strand). VCF-style: chr9-115085988-G-A. GRCh37 (hg19) VCF-style: chr9-117848267-G-A.
Other names: c.1743C>T, p.His581= (NM_001410991.1, NM_001439065.1, NM_001439066.1 and 35 more transcripts).
Identifiers: ClinVar variation 4980550 (VCV004980550.1).

ClinVar aggregate classification (germline): Likely benign (1 of 4 stars; one submission).

Conditions:
TNC-related disorder. Also called: TNC-related condition.

gnomAD v4.1: 139 of 1,613,734 alleles (0.0086%); highest among the groups gnomAD compares: Non-Finnish European, 0.011%; no homozygotes.

Submission:

PreventionGenetics, part of Exact Sciences
Classification: Likely benign for TNC-related condition. Last evaluated: 2025-10-20. Review status: criteria provided, single submitter. Criteria: ACMG Guidelines, 2015. Collection method: clinical testing. Allele origin: germline.
Comment: This variant is classified as likely benign based on ACMG/AMP sequence variant interpretation guidelines (Richards et al. 2015 PMID: 25741868, with internal and published modifications).